The following is an entry in ClinVar:

NM_001394062.1(MACF1):c.1650G>C (p.Lys550Asn)

Gene: MACF1 (microtubule actin crosslinking factor 1; plus strand). Cytogenetic location: 1p34.3.
Variant type: single nucleotide variant.
Coding change: c.1650G>C on transcript NM_001394062.1 (MANE Select); coding-DNA position 1650, G replaced by C.
Protein change: p.Lys550Asn; replaces lysine 550 with asparagine.
Molecular consequence: missense variant.
Genome position (GRCh38, 1-based): chr1:39,287,427, G>C. VCF-style: chr1-39287427-G-C. GRCh37 (hg19) VCF-style: chr1-39753099-G-C.
Other names: c.1665G>C, p.Lys555Asn (NM_012090.5); short protein forms K550N, K555N.
Identifiers: ClinVar variation 1700465 (VCV001700465.3), dbSNP rs2148390175, ClinGen allele CA339761651.

ClinVar aggregate classification (germline): Uncertain significance. Review status: criteria provided, multiple submitters, no conflicts (2 of 4 stars). 2 submissions from 2 submitters: Uncertain significance (2). Last evaluated 2026-03-16.

Conditions:
MACF1-related disorder. Also called: MACF1-related condition.

Submissions (2):

PreventionGenetics, part of Exact Sciences
Classification: Uncertain significance for MACF1-related condition. Last evaluated: 2026-03-16. Review status: criteria provided, single submitter. Criteria: ACMG Guidelines, 2015. Collection method: clinical testing. Allele origin: germline.
Comment: The MACF1 c.1665G>C variant is predicted to result in the amino acid substitution p.Lys555Asn. To our knowledge, this variant has not been reported in the literature or in a large population database (gnomAD), indicating this variant is rare. At this time, the clinical significance of this variant is uncertain due to the absence of conclusive functional and genetic evidence.

GeneDx
Classification: Uncertain significance. Last evaluated: 2022-02-08. Review status: criteria provided, single submitter. Criteria: GeneDx Variant Classification Process June 2021. Collection method: clinical testing. Allele origin: germline. Affected: yes.
Comment: Not observed at significant frequency in large population cohorts (gnomAD); In silico analysis supports that this missense variant does not alter protein structure/function; Has not been previously published as pathogenic or benign to our knowledge